The following is an entry in ClinVar:

NM_001378454.1(ALMS1):c.4755T>C (p.Phe1585=)

Gene: ALMS1 (ALMS1 centrosome and basal body associated protein; plus strand). Cytogenetic location: 2p13.1.
Variant type: single nucleotide variant.
Coding change: c.4755T>C on transcript NM_001378454.1 (MANE Select); coding-DNA position 4755, T replaced by C.
Protein change: p.Phe1585=; no amino-acid change (phenylalanine 1585 retained).
Molecular consequence: synonymous variant.
Genome position (GRCh38, 1-based): chr2:73,451,282, T>C. VCF-style: chr2-73451282-T-C. GRCh37 (hg19) VCF-style: chr2-73678409-T-C.
Other names: c.4758T>C, p.Phe1586= (NM_015120.4).
Identifiers: ClinVar variation 2996261 (VCV002996261.4), dbSNP rs2466102695, ClinGen allele CA427021162.
Genomic context (GRCh38, chr2:73,451,282, plus strand): 5'-CATAACCTCTACTTCCTACTCATTTGGAGAGAAGCCGATTGTTAACTACAAACAGGCCTT[T>C]CCAGATGGTCATCTACCTGAAGAGGCTCTGAAAGTTTCCATTGTTTCTGGACCTACTGAA-3'
Protein context (NP_001365383.1, residues 1575-1595): EKPIVNYKQA[Phe1585=]PDGHLPEEAL

ClinVar aggregate classification (germline): Likely benign. Review status: criteria provided, multiple submitters, no conflicts (2 of 4 stars). 2 submissions from 2 submitters: Likely benign (2). Last evaluated 2025-05-10.

Conditions:
ALMS1-related disorder. Also called: ALMS1-related condition.
Alstrom syndrome (ALMS). Identifiers: Orphanet 64, MedGen C0268425, MONDO:0008763, OMIM 203800.

Allele frequency attached by ClinVar (database versions not stated): gnomAD exomes below 0.00001.
gnomAD v4.1: 2 of 1,613,498 alleles (0.00012%); highest among the groups gnomAD compares: South Asian, 0.0011%; no homozygotes.

Submissions (2):

PreventionGenetics, part of Exact Sciences
Classification: Likely benign for ALMS1-related condition. Last evaluated: 2025-05-10. Review status: criteria provided, single submitter. Criteria: ACMG Guidelines, 2015. Collection method: clinical testing. Allele origin: germline.
Comment: This variant is classified as likely benign based on ACMG/AMP sequence variant interpretation guidelines (Richards et al. 2015 PMID: 25741868, with internal and published modifications).

Labcorp Genetics (formerly Invitae), Labcorp
Classification: Likely benign for Alstrom syndrome. Last evaluated: 2023-11-01. Review status: criteria provided, single submitter. Criteria: Invitae Variant Classification Sherloc (09022015). Collection method: clinical testing. Allele origin: germline.